The following is an entry in ClinVar:

ClinVar aggregate classification (germline): Uncertain significance (1 of 4 stars; one submission).

Conditions:
Long QT syndrome (LQTS). Identifiers: MedGen C0023976, MeSH D008133, MONDO:0002442. Disease mechanism: loss of function. Inheritance: Various modes of inheritance.

gnomAD v4.1: 1 of 1,613,796 alleles (0.000062%); highest among the groups gnomAD compares: East Asian, 0.0022%; no homozygotes.

Submission:

Labcorp Genetics (formerly Invitae), Labcorp
Classification: Uncertain significance for Long QT syndrome. Last evaluated: 2024-08-19. Review status: criteria provided, single submitter. Criteria: Invitae Variant Classification Sherloc (09022015). Collection method: clinical testing. Allele origin: germline.
Comment: This sequence change replaces proline, which is neutral and non-polar, with serine, which is neutral and polar, at codon 599 of the ANK2 protein (p.Pro599Ser). This variant is not present in population databases (gnomAD no frequency). This variant has not been reported in the literature in individuals affected with ANK2-related conditions. Invitae Evidence Modeling of protein sequence and biophysical properties (such as structural, functional, and spatial information, amino acid conservation, physicochemical variation, residue mobility, and thermodynamic stability) has been performed for this missense variant. However, the output from this modeling did not meet the statistical confidence thresholds required to predict the impact of this variant on ANK2 protein function. In summary, the available evidence is currently insufficient to determine the role of this variant in disease. Therefore, it has been classified as a Variant of Uncertain Significance.

NM_001148.6(ANK2):c.1795C>T (p.Pro599Ser)

Gene: ANK2 (ankyrin 2; plus strand). Cytogenetic location: 4q26.
Variant type: single nucleotide variant.
Coding change: c.1795C>T on transcript NM_001148.6 (MANE Select); coding-DNA position 1795, C replaced by T.
Protein change: p.Pro599Ser; replaces proline 599 with serine.
Molecular consequence: missense variant. On other transcripts: intron variant (10).
Genome position (GRCh38, 1-based): chr4:113,278,472, C>T. VCF-style: chr4-113278472-C-T. GRCh37 (hg19) VCF-style: chr4-114199628-C-T.
Other names: c.1732C>T, p.Pro578Ser (NM_001354262.2, NM_001354272.2, NM_001354275.2 and 10 more transcripts); c.1708C>T, p.Pro570Ser (NM_001354264.2, NM_001354266.2, NM_001354267.2 and 10 more transcripts); c.1795C>T, p.Pro599Ser (NM_001354265.2, NM_020977.5, NM_001354225.2 and 6 more transcripts); c.1585C>T, p.Pro529Ser (NM_001354269.3); c.1597C>T, p.Pro533Ser (NM_001354273.2); c.1822C>T, p.Pro608Ser (NM_001386175.1); c.1783C>T, p.Pro595Ser (NM_001386186.2, NM_001386148.2); c.1759C>T, p.Pro587Ser (NM_001386187.2); and 8 more; short protein forms P533S, P570S, P599S, P608S, P578S, P595S, P614S, P616S.
Identifiers: ClinVar variation 3689932 (VCV003689932.2).